The following is an entry in ClinVar:

NM_144670.6(A2ML1):c.943G>A (p.Val315Met)

Gene: A2ML1 (alpha-2-macroglobulin like 1; plus strand). Cytogenetic location: 12p13.31.
Variant type: single nucleotide variant.
Coding change: c.943G>A on transcript NM_144670.6 (MANE Select); coding-DNA position 943, G replaced by A.
Protein change: p.Val315Met; replaces valine 315 with methionine.
Molecular consequence: missense variant.
Genome position (GRCh38, 1-based): chr12:8,838,423, G>A. VCF-style: chr12-8838423-G-A. GRCh37 (hg19) VCF-style: chr12-8991019-G-A.
Other names: c.943G>A (NM_144670.3); short protein forms V315M.
Identifiers: ClinVar variation 642266 (VCV000642266.10), dbSNP rs763486898, ClinGen allele CA232672298.

ClinVar aggregate classification (germline): Uncertain significance. Review status: criteria provided, multiple submitters, no conflicts (2 of 4 stars). 2 submissions from 2 submitters: Uncertain significance (2). Last evaluated 2025-12-09.

Allele frequency attached by ClinVar (database versions not stated): gnomAD 0.00001 and 0.00002; TOPMed 0.00001; 1000 Genomes Project 30x 0.00016; 1000 Genomes Project 0.00020.

Submissions (2):

Ambry Genetics
Classification: Uncertain significance. Last evaluated: 2025-12-09. Review status: criteria provided, single submitter. Criteria: Ambry Variant Classification Scheme 2023. Collection method: clinical testing. Allele origin: germline.

Labcorp Genetics (formerly Invitae), Labcorp
Classification: Uncertain significance. Last evaluated: 2018-10-17. Review status: criteria provided, single submitter. Criteria: Invitae Variant Classification Sherloc (09022015). Collection method: clinical testing. Allele origin: germline.
Comment: In summary, the available evidence is currently insufficient to determine the role of this variant in disease. Therefore, it has been classified as a Variant of Uncertain Significance. Algorithms developed to predict the effect of missense changes on protein structure and function output the following: SIFT: "Tolerated"; PolyPhen-2: "Benign"; Align-GVGD: "Class C0". The methionine amino acid residue is found in multiple mammalian species, suggesting that this missense change does not adversely affect protein function. These predictions have not been confirmed by published functional studies and their clinical significance is uncertain. This variant has not been reported in the literature in individuals with A2ML1-related disease. This variant is not present in population databases (ExAC no frequency). This sequence change replaces valine with methionine at codon 315 of the A2ML1 protein (p.Val315Met). The valine residue is moderately conserved and there is a small physicochemical difference between valine and methionine.